The following is an entry in ClinVar:

ClinVar aggregate classification (germline): Uncertain significance (1 of 4 stars; one submission).

Conditions:
MHC class I deficiency. Identifiers: Orphanet 34592, MedGen C6024714, MONDO:0011476.

Allele frequency attached by ClinVar (database versions not stated): TOPMed below 0.00001.

Submission:

Labcorp Genetics (formerly Invitae), Labcorp
Classification: Uncertain significance for MHC class I deficiency 1. Last evaluated: 2024-09-01. Review status: criteria provided, single submitter. Criteria: Invitae Variant Classification Sherloc (09022015). Collection method: clinical testing. Allele origin: germline.
Comment: This sequence change replaces glycine, which is neutral and non-polar, with glutamic acid, which is acidic and polar, at codon 280 of the TAPBP protein (p.Gly280Glu). This variant is not present in population databases (gnomAD no frequency). This variant has not been reported in the literature in individuals affected with TAPBP-related conditions. ClinVar contains an entry for this variant (Variation ID: 972011). An algorithm developed to predict the effect of missense changes on protein structure and function (PolyPhen-2) suggests that this variant is likely to be disruptive. In summary, the available evidence is currently insufficient to determine the role of this variant in disease. Therefore, it has been classified as a Variant of Uncertain Significance.

NM_003190.5(TAPBP):c.839G>A (p.Gly280Glu)

Gene: TAPBP (TAP binding protein; minus strand). Cytogenetic location: 6p21.32.
Variant type: single nucleotide variant.
Coding change: c.839G>A on transcript NM_003190.5 (MANE Select); coding-DNA position 839, G replaced by A.
Protein change: p.Gly280Glu; replaces glycine 280 with glutamic acid.
Molecular consequence: missense variant.
Genome position (GRCh38, 1-based): chr6:33,305,018, C>T on the plus strand (G>A on the coding strand, the complement: TAPBP is on the minus strand). VCF-style: chr6-33305018-C-T. GRCh37 (hg19) VCF-style: chr6-33272795-C-T.
Other names: c.839G>A, p.Gly280Glu (NM_172208.3); c.578G>A, p.Gly193Glu (NM_172209.3); short protein forms G193E, G280E.
Identifiers: ClinVar variation 972011 (VCV000972011.10), dbSNP rs1768871055, ClinGen allele CA363690388.